The following is an entry in ClinVar:

NM_000135.4(FANCA):c.275C>T (p.Ser92Leu)

Gene: FANCA (FA complementation group A; minus strand). Cytogenetic location: 16q24.3.
Variant type: single nucleotide variant.
Coding change: c.275C>T on transcript NM_000135.4 (MANE Select); coding-DNA position 275, C replaced by T.
Protein change: p.Ser92Leu; replaces serine 92 with leucine.
Molecular consequence: missense variant.
Genome position (GRCh38, 1-based): chr16:89,814,528, G>A on the plus strand (C>T on the coding strand, the complement: FANCA is on the minus strand). VCF-style: chr16-89814528-G-A. GRCh37 (hg19) VCF-style: chr16-89880936-G-A.
Other names: c.275C>T, p.Ser92Leu (NM_001018112.3, NM_001286167.3, NM_001351830.2); short protein forms S92L.
Identifiers: ClinVar variation 2763188 (VCV002763188.3), dbSNP rs1183559927, ClinGen allele CA397482430.

ClinVar aggregate classification (germline): Uncertain significance (1 of 4 stars; one submission).

Conditions:
Fanconi anemia (FA). Also called: Fanconi's anemia. Identifiers: Orphanet 84, MedGen C0015625, MeSH D005199, MONDO:0019391.

Submission:

Labcorp Genetics (formerly Invitae), Labcorp
Classification: Uncertain significance for Fanconi anemia. Last evaluated: 2023-09-25. Review status: criteria provided, single submitter. Criteria: Invitae Variant Classification Sherloc (09022015). Collection method: clinical testing. Allele origin: germline.
Comment: In summary, the available evidence is currently insufficient to determine the role of this variant in disease. Therefore, it has been classified as a Variant of Uncertain Significance. Advanced modeling of protein sequence and biophysical properties (such as structural, functional, and spatial information, amino acid conservation, physicochemical variation, residue mobility, and thermodynamic stability) performed at Invitae indicates that this missense variant is not expected to disrupt FANCA protein function. This variant has not been reported in the literature in individuals affected with FANCA-related conditions. This variant is not present in population databases (gnomAD no frequency). This sequence change replaces serine, which is neutral and polar, with leucine, which is neutral and non-polar, at codon 92 of the FANCA protein (p.Ser92Leu).